The following is an entry in ClinVar:

ClinVar aggregate classification (germline): Uncertain significance. Review status: criteria provided, multiple submitters, no conflicts (2 of 4 stars). 2 submissions from 2 submitters: Uncertain significance (2). Last evaluated 2022-04-10.

Conditions:
Atypical glycine encephalopathy. Also called: Glycine encephalopathy with normal serum glycine. Identifiers: Orphanet 289863, MedGen C4310943, MONDO:0015010, OMIM 617301.
Inborn genetic diseases. Identifiers: MedGen C0950123, MeSH D030342.

Allele frequency attached by ClinVar (database versions not stated): gnomAD 0.00001; TOPMed 0.00003.

Submissions (2):

Labcorp Genetics (formerly Invitae), Labcorp
Classification: Uncertain significance for Atypical glycine encephalopathy. Last evaluated: 2022-04-10. Review status: criteria provided, single submitter. Criteria: Invitae Variant Classification Sherloc (09022015). Collection method: clinical testing. Allele origin: germline.
Comment: This sequence change replaces valine, which is neutral and non-polar, with methionine, which is neutral and non-polar, at codon 427 of the SLC6A9 protein (p.Val427Met). This variant is present in population databases (rs201591202, gnomAD 0.01%). This variant has not been reported in the literature in individuals affected with SLC6A9-related conditions. Algorithms developed to predict the effect of missense changes on protein structure and function are either unavailable or do not agree on the potential impact of this missense change (SIFT: "Deleterious"; PolyPhen-2: "Probably Damaging"; Align-GVGD: "Class C0"). In summary, the available evidence is currently insufficient to determine the role of this variant in disease. Therefore, it has been classified as a Variant of Uncertain Significance.

Ambry Genetics
Classification: Uncertain significance for Inborn genetic diseases. Last evaluated: 2021-10-27. Review status: criteria provided, single submitter. Criteria: Ambry Variant Classification Scheme 2023. Collection method: clinical testing. Allele origin: germline.

NM_001024845.3(SLC6A9):c.1060G>A (p.Val354Met)

Gene: SLC6A9 (solute carrier family 6 member 9; minus strand). Cytogenetic location: 1p34.1.
Variant type: single nucleotide variant.
Coding change: c.1060G>A on transcript NM_001024845.3 (MANE Select); coding-DNA position 1060, G replaced by A.
Protein change: p.Val354Met; replaces valine 354 with methionine.
Molecular consequence: missense variant. On other transcripts: non-coding transcript variant (1).
Genome position (GRCh38, 1-based): chr1:44,001,530, C>T on the plus strand (G>A on the coding strand, the complement: SLC6A9 is on the minus strand). VCF-style: chr1-44001530-C-T. GRCh37 (hg19) VCF-style: chr1-44467202-C-T.
Other names: c.1072G>A, p.Val358Met (NM_001261380.2); c.727G>A, p.Val243Met (NM_001328626.2, NM_001328630.2); c.997G>A, p.Val333Met (NM_001328627.1); c.865G>A, p.Val289Met (NM_001328628.1); c.1060G>A, p.Val354Met (NM_001328629.1); c.1117G>A, p.Val373Met (NM_006934.4); c.1279G>A, p.Val427Met (NM_201649.4); c.1279G>A (NM_201649.2); short protein forms V289M, V333M, V354M, V243M, V358M, V373M, V427M.
Identifiers: ClinVar variation 2161972 (VCV002161972.5), dbSNP rs201591202, ClinGen allele CA817611.